The following is an entry in ClinVar:

ClinVar aggregate classification (germline): Likely benign (1 of 4 stars; one submission).

Allele frequency attached by ClinVar (database versions not stated): 1000 Genomes Project 0.00040; ESP Exome Variant Server 0.00131; 1000 Genomes Project 30x 0.00047.
gnomAD v4.1: 2,649 of 1,613,726 alleles (0.16%); highest among the groups gnomAD compares: Non-Finnish European, 0.19%; 6 homozygotes.

Submissions (2):

CeGaT Center for Human Genetics Tuebingen
Classification: Likely benign. Last evaluated: 2026-06-01. Review status: criteria provided, single submitter. Criteria: CeGaT Center For Human Genetics Tuebingen Variant Classification Criteria Version 2. Collection method: clinical testing. Allele origin: germline. Affected: yes. Observed: 4 variant alleles.
Comment: PRKCZ: BP4, BP7

Dr. Peter K. Rogan Lab, Western University
No classification provided (evidence only). Condition: Malignant tumor of urinary bladder. Review status: no classification provided. Collection method: in vitro. Allele origin: not applicable. Functional consequence: retained intron. Not counted in ClinVar's aggregate classification.

NM_002744.6(PRKCZ):c.1668C>G (p.Pro556=)

Genes: FAAP20 (FA core complex associated protein 20; minus strand), PRKCZ (protein kinase C zeta; plus strand). Cytogenetic location: 1p36.33.
Variant type: single nucleotide variant.
Coding change: c.1668C>G on transcript NM_002744.6 (MANE Select); coding-DNA position 1668, C replaced by G.
Protein change: p.Pro556=; no amino-acid change (proline 556 retained).
Molecular consequence: synonymous variant. On other transcripts: 3 prime UTR variant (5), non-coding transcript variant (1).
Genome position (GRCh38, 1-based): chr1:2,184,675, C>G. VCF-style: chr1-2184675-C-G. GRCh37 (hg19) VCF-style: chr1-2116114-C-G.
Other names: NC_000001.10:g.2116114C>G; c.*603G>C (NM_001146310.2, NM_001256945.2, NM_001282671.2 and 1 more transcripts); c.*796G>C (NM_001282673.2); c.1119C>G, p.Pro373= (NM_001033581.3, NM_001033582.3); c.1356C>G, p.Pro452= (NM_001242874.3); c.1143C>G, p.Pro381= (NM_001350803.2, NM_001350804.2); c.957C>G, p.Pro319= (NM_001350805.2, NM_001350806.2).
Identifiers: ClinVar variation 1711203 (VCV001711203.28), dbSNP rs56402864, ClinGen allele CA535820.